The following is an entry in ClinVar:

ClinVar aggregate classification (germline): Pathogenic. Review status: criteria provided, single submitter (1 of 4 stars). 2 submissions from 2 submitters: Pathogenic (1). 1 of the submissions does not count toward it. Last evaluated 2021-10-25.

Conditions:
Galactosylceramide beta-galactosidase deficiency. Also called: Leukodystrophy, Globoid Cell; Krabbe Disease; GALACTOCEREBROSIDASE DEFICIENCY; GALC DEFICIENCY; GLOBOID CELL LEUKOENCEPHALOPATHY. Identifiers: Orphanet 487, MedGen C0023521, MONDO:0009499, OMIM 245200.

Allele frequency attached by ClinVar (database versions not stated): gnomAD exomes below 0.00001.

Submissions (2):

Labcorp Genetics (formerly Invitae), Labcorp
Classification: Pathogenic for Galactosylceramide beta-galactosidase deficiency. Last evaluated: 2021-10-25. Review status: criteria provided, single submitter. Criteria: Invitae Variant Classification Sherloc (09022015). Collection method: clinical testing. Allele origin: germline.
Comment: For these reasons, this variant has been classified as Pathogenic. ClinVar contains an entry for this variant (Variation ID: 370366). This premature translational stop signal has been observed in individual(s) with Krabbe disease (PMID: 23319190). In at least one individual the data is consistent with the variant being in trans (on the opposite chromosome) from a pathogenic variant. This variant is not present in population databases (ExAC no frequency). This sequence change creates a premature translational stop signal (p.Tyr617*) in the GALC gene. It is expected to result in an absent or disrupted protein product. Loss-of-function variants in GALC are known to be pathogenic (PMID: 7437911, 9272171, 16607461).

Counsyl
Classification: Likely pathogenic for Galactosylceramide beta-galactosidase deficiency. Last evaluated: 2016-01-24. Review status: no assertion criteria provided. Collection method: clinical testing. Allele origin: unknown. Not counted in ClinVar's aggregate classification.

Literature cited by the submitters: PubMed 23319190 (cited by Labcorp Genetics (formerly Invitae), Labcorp and Counsyl); PubMed 7437911 (cited by Labcorp Genetics (formerly Invitae), Labcorp); PubMed 9272171 (cited by Labcorp Genetics (formerly Invitae), Labcorp); PubMed 16607461 (cited by Labcorp Genetics (formerly Invitae), Labcorp).

NM_000153.4(GALC):c.1851del (p.Ile616_Tyr617insTer)

Gene: GALC (galactosylceramidase; minus strand). Cytogenetic location: 14q31.3.
Variant type: Deletion.
Coding change: c.1851del on transcript NM_000153.4 (MANE Select); coding-DNA position 1851, one base deleted (T; older notation c.1851delT).
Protein change: p.Ile616_Tyr617insTer.
Molecular consequence: nonsense.
Genome position (GRCh38, 1-based): chr14:87,939,965, A deleted on the plus strand (T on the coding strand, the reverse complement: GALC is on the minus strand). VCF-style (leftmost placement, unchanged base first): chr14-87939964-CA-C. GRCh37 (hg19) VCF-style: chr14-88406308-CA-C.
Other names: c.1782del, p.Ile593_Tyr594insTer (NM_001201401.2); c.1773del, p.Ile590_Tyr591insTer (NM_001201402.2).
Identifiers: ClinVar variation 370366 (VCV000370366.10), dbSNP rs1057516433, ClinGen allele CA16041691.